The following is an entry in ClinVar:

NM_001854.4(COL11A1):c.1441G>A (p.Gly481Arg)

Gene: COL11A1 (collagen type XI alpha 1 chain; minus strand). Cytogenetic location: 1p21.1.
Variant type: single nucleotide variant.
Coding change: c.1441G>A on transcript NM_001854.4 (MANE Select); coding-DNA position 1441, G replaced by A.
Protein change: p.Gly481Arg; replaces glycine 481 with arginine.
Molecular consequence: missense variant. On other transcripts: non-coding transcript variant (1).
Genome position (GRCh38, 1-based): chr1:103,015,715, C>T on the plus strand (G>A on the coding strand, the complement: COL11A1 is on the minus strand). VCF-style: chr1-103015715-C-T. GRCh37 (hg19) VCF-style: chr1-103481271-C-T.
Other names: c.1324G>A, p.Gly442Arg (NM_001190709.2); c.1477G>A, p.Gly493Arg (NM_080629.3); c.1093G>A, p.Gly365Arg (NM_080630.4); short protein forms G365R, G442R, G481R, G493R.
Identifiers: ClinVar variation 4531636 (VCV004531636.1).
Genomic context (GRCh38, chr1:103,015,715, plus strand): 5'-AAAAAGAACATACCGGTAACATCAACATAGTACCAGGAGGACCAGGTAGACCATCAGCCC[C>T]TGGTAAGCCAGGACGTCCTGGGGGGCCCTAGAAAAATAAATGAAATAACCAAAATAAATA-3'
Protein context (NP_001845.3, residues 471-491): RGPPGRPGLP[Gly481Arg]ADGLPGPPGT

ClinVar aggregate classification (germline): Likely pathogenic (1 of 4 stars; one submission).

Conditions:
Stickler syndrome type 2 (STL2). Also called: STICKLER SYNDROME, TYPE II; COL11A1-Related Stickler Syndrome; STICKLER SYNDROME, BEADED VITREOUS TYPE; STICKLER SYNDROME, VITREOUS TYPE 2. Identifiers: Orphanet 828, Orphanet 90654, MedGen C1858084, MONDO:0011493, OMIM 604841.

Submission:

Victorian Clinical Genetics Services, Murdoch Childrens Research Institute
Classification: Likely pathogenic for Stickler syndrome type 2. Last evaluated: 2025-01-30. Review status: criteria provided, single submitter. Criteria: ACMG Guidelines, 2015. Collection method: clinical testing. Allele origin: germline. Affected: yes.
Comment: This variant is classified as Likely pathogenic. Evidence in support of pathogenic classification: Variant is absent from gnomAD (v2, v3 and v4); Variant is located in the well-established functional Gly-X-Y motif in the collagen triple helical domain (DECIPHER); Missense variant predicted to be damaging by in silico tool(s) or highly conserved with a major amino acid change. Additional information: Variant is predicted to result in a missense amino acid change from glycine to arginine; This variant is heterozygous; This gene is associated with both recessive and dominant disease. Both missense variants and those predicted to result in a truncated protein have been associated with autosomal recessive and dominant disease. Additionally, autosomal recessive Stickler syndrome is usually caused by variants affecting exon 9 (PMIDs: 32578940, 25073711); This variant has no previous evidence of pathogenicity; No published segregation evidence has been identified for this variant; No published functional evidence has been identified for this variant; No comparable missense variants have previous evidence for pathogenicity; Dominant negative and loss of function are known mechanisms of disease in this gene. Loss of function variants have been associated with fibrochondrogenesis 1 (MIM#228520), Marshall syndrome (MIM#154780), and autosomal dominant deafness 37 (MIM#618533). Additionally, variants that exhibit a dominant negative effect are associated with autosomal dominant Stickler syndrome, type II (MIM#604841); Variants in this gene causing Stickler syndrome are known to have variable expressivity (PMID: 27081569); Inheritance information for this variant is not currently available in this individual.

Literature cited by the submitters: PubMed 32578940; PubMed 25073711; PubMed 27081569.